The following is an entry in ClinVar:

NM_000535.7(PMS2):c.1269C>A (p.Ala423=)

Gene: PMS2 (PMS1 homolog 2, mismatch repair system component; minus strand). Cytogenetic location: 7p22.1.
Variant type: single nucleotide variant.
Coding change: c.1269C>A on transcript NM_000535.7 (MANE Select); coding-DNA position 1269, C replaced by A.
Protein change: p.Ala423=; no amino-acid change (alanine 423 retained).
Molecular consequence: synonymous variant. On other transcripts: non-coding transcript variant (1).
Genome position (GRCh38, 1-based): chr7:5,987,496, G>T on the plus strand (C>A on the coding strand, the complement: PMS2 is on the minus strand). VCF-style: chr7-5987496-G-T. GRCh37 (hg19) VCF-style: chr7-6027127-G-T.
Other names: c.864C>A, p.Ala288= (NM_001322003.2, NM_001322004.2, NM_001322005.2 and 1 more transcripts); c.1113C>A, p.Ala371= (NM_001322006.2); c.951C>A, p.Ala317= (NM_001322007.2, NM_001322008.2); c.708C>A, p.Ala236= (NM_001322010.2); c.336C>A, p.Ala112= (NM_001322011.2, NM_001322012.2); c.696C>A, p.Ala232= (NM_001322013.2); c.1269C>A, p.Ala423= (NM_001322014.2); c.960C>A, p.Ala320= (NM_001322015.2).
Identifiers: ClinVar variation 386785 (VCV000386785.5), dbSNP rs921253631, ClinGen allele CA16605245.

ClinVar aggregate classification (germline): Benign/Likely benign. Review status: criteria provided, multiple submitters, no conflicts (2 of 4 stars). 4 submissions from 4 submitters: Benign (1); Likely benign (3). Last evaluated 2025-01-30.

Conditions:
Hereditary cancer-predisposing syndrome. Also called: Hereditary Cancer Syndrome; Hereditary neoplastic syndrome; Neoplastic Syndromes, Hereditary; Tumor predisposition. Identifiers: Orphanet 140162, MedGen C0027672, MeSH D009386, MONDO:0015356.
Hereditary nonpolyposis colorectal neoplasms. Identifiers: MedGen C0009405, MeSH D003123.
Lynch syndrome 4 (LYNCH4). Also called: Colorectal cancer, hereditary nonpolyposis, type 4; Hereditary non-polyposis colorectal cancer, type 4. Identifiers: Orphanet 144, MedGen C1838333, MONDO:0013699, OMIM 614337. Disease mechanism: loss of function.

Submissions (4):

Myriad Genetics, Inc.
Classification: Benign for Lynch syndrome 4. Last evaluated: 2025-01-30. Review status: criteria provided, single submitter. Criteria: Myriad Autosomal Dominant, Autosomal Recessive and X-Linked Classification Criteria (2023). Collection method: clinical testing. Allele origin: unknown.
Comment: This variant is considered benign. This variant is a silent/synonymous amino acid change and it is not expected to impact splicing.

Ambry Genetics
Classification: Likely benign for Hereditary cancer-predisposing syndrome. Last evaluated: 2024-09-23. Review status: criteria provided, single submitter. Criteria: Ambry Variant Classification Scheme 2023. Collection method: clinical testing. Allele origin: germline.

Labcorp Genetics (formerly Invitae), Labcorp
Classification: Likely benign for Hereditary nonpolyposis colorectal neoplasms. Last evaluated: 2024-08-06. Review status: criteria provided, single submitter. Criteria: Invitae Variant Classification Sherloc (09022015). Collection method: clinical testing. Allele origin: germline.

GeneDx
Classification: Likely benign. Last evaluated: 2016-06-06. Review status: criteria provided, single submitter. Criteria: GeneDx Variant Classification (06012015). Collection method: clinical testing. Allele origin: germline. Affected: yes.
Comment: This variant is considered likely benign or benign based on one or more of the following criteria: it is a conservative change, it occurs at a poorly conserved position in the protein, it is predicted to be benign by multiple in silico algorithms, and/or has population frequency not consistent with disease.